The following is an entry in ClinVar:

NM_006295.3(VARS1):c.742C>T (p.Gln248Ter)

Genes: VARS1 (valyl-tRNA synthetase 1; minus strand), LOC126859651 (CDK7 strongly-dependent group 2 enhancer GRCh37_chr6:31759783-31760982; plus strand). Cytogenetic location: 6p21.33.
Variant type: single nucleotide variant.
Coding change: c.742C>T on transcript NM_006295.3 (MANE Select); coding-DNA position 742, C replaced by T.
Protein change: p.Gln248Ter; replaces glutamine 248 with a stop codon.
Molecular consequence: nonsense.
Genome position (GRCh38, 1-based): chr6:31,792,436, G>A on the plus strand (C>T on the coding strand, the complement: VARS1 is on the minus strand). VCF-style: chr6-31792436-G-A. GRCh37 (hg19) VCF-style: chr6-31760213-G-A.
Other names: short protein forms Q248*.
Identifiers: ClinVar variation 3731468 (VCV003731468.1).
Genomic context (GRCh38, chr6:31,792,436, plus strand): 5'-TCCACCCTCGCCTCACCTCCCCTGGAGGTGGCTGCTGCTGTTGGATCTTCTGCTTCTGTT[G>A]GAATTTCTCTAGCTTCTCCCGTTTCTTTGCCTCTTTCTTGAGCTGAGCAGCTGTCTTTGG-3'

ClinVar aggregate classification (germline): Likely pathogenic (1 of 4 stars; one submission).

Conditions:
Neurodevelopmental disorder with microcephaly, seizures, and cortical atrophy. Identifiers: MedGen C4540493, MONDO:0060621, OMIM 617802.

gnomAD v4.1: 1 of 1,613,884 alleles (0.000062%); no homozygotes.

Submission:

Neuberg Centre For Genomic Medicine, NCGM
Classification: Likely pathogenic for Neurodevelopmental disorder with microcephaly, seizures, and cortical atrophy. Review status: criteria provided, single submitter. Criteria: ACMG Guidelines, 2015. Collection method: clinical testing. Allele origin: germline. Affected: yes.
Comment: The observed stop gained variant c.742C>T(p.Gln248Ter) in the VARS1 gene has not been reported previously as a pathogenic variant nor as a benign variant, to our knowledge. This variant is absent in the gnomAD Exomes. This variant is predicted to cause loss of normal protein function either through protein truncation or nonsense-mediated mRNA decay. Loss of function variants have been previously reported to be disease causing (Siekierska A, et al., 2019). Computational evidence (MutationTaster - Disease causing) predicts damaging effect on protein structure and function for this variant. For these reasons, this variant has been classified as Likely Pathogenic.